The following is an entry in ClinVar:

NM_007294.4(BRCA1):c.2797G>C (p.Gly933Arg)

Gene: BRCA1 (BRCA1 DNA repair associated; minus strand). Cytogenetic location: 17q21.31.
Variant type: single nucleotide variant.
Coding change: c.2797G>C on transcript NM_007294.4 (MANE Select); coding-DNA position 2797, G replaced by C.
Protein change: p.Gly933Arg; replaces glycine 933 with arginine.
Molecular consequence: missense variant. On other transcripts: intron variant (137).
Genome position (GRCh38, 1-based): chr17:43,092,734, C>G on the plus strand (G>C on the coding strand, the complement: BRCA1 is on the minus strand). VCF-style: chr17-43092734-C-G. GRCh37 (hg19) VCF-style: chr17-41244751-C-G.
Other names: c.2587G>C, p.Gly863Arg (NM_001407909.1, NM_001407910.1, NM_001407879.1 and 13 more transcripts); c.2794G>C, p.Gly932Arg (NM_001407611.1, NM_001407612.1, NM_001407613.1 and 22 more transcripts); c.2797G>C, p.Gly933Arg (NM_001407616.1, NM_001407617.1, NM_001407618.1 and 30 more transcripts); c.2584G>C, p.Gly862Arg (NM_001407917.1, NM_001407915.1, NM_001407918.1 and 9 more transcripts); c.2674G>C, p.Gly892Arg (NM_001407919.1, NM_001407863.1, NM_001407937.1 and 19 more transcripts); c.2533G>C, p.Gly845Arg (NM_001407920.1, NM_001407921.1, NM_001407922.1 and 9 more transcripts); c.2653G>C, p.Gly885Arg (NM_001407839.1, NM_001407841.1, NM_001407842.1 and 20 more transcripts); c.2656G>C, p.Gly886Arg (NM_001407850.1, NM_001407851.1, NM_001407852.1 and 29 more transcripts); and 41 more; short protein forms G862R, G865R, G885R, G891R, G892R, G907R, G765R, G844R.
Identifiers: ClinVar variation 2746250 (VCV002746250.3), dbSNP rs2154359101, ClinGen allele CA10596402.
Genomic context (GRCh38, chr17:43,092,734, plus strand): 5'-AAAACCTAGAGCCTCCTTTGATACTACATTTGGCATTATCAACTGGCTTATCTTTCTGAC[C>G]AACCACAGGAAAGCCTGCAGTGATATTAACTGTCTGTACAGGCTTGATATTAGACTCATT-3'
Protein context (NP_009225.1, residues 923-943): VNITAGFPVV[Gly933Arg]QKDKPVDNAK

ClinVar aggregate classification (germline): Uncertain significance (1 of 4 stars; one submission).

Conditions:
Hereditary breast ovarian cancer syndrome. Also called: BRCA1- and BRCA2-Associated Hereditary Breast and Ovarian Cancer; Breast and ovarian cancer; Hereditary breast and/or ovarian cancer syndrome; Hereditary breast and ovarian cancer; Hereditary breast and ovarian cancer syndrome (HBOC); Hereditary breast and ovarian cancer syndrome. Identifiers: Orphanet 145, MedGen C0677776, MeSH D061325, MONDO:0003582. Disease mechanism: loss of function.

Submission:

Labcorp Genetics (formerly Invitae), Labcorp
Classification: Uncertain significance for Hereditary breast ovarian cancer syndrome. Last evaluated: 2025-10-27. Review status: criteria provided, single submitter. Criteria: Invitae Variant Classification Sherloc (09022015). Collection method: clinical testing. Allele origin: germline.
Comment: This sequence change replaces glycine, which is neutral and non-polar, with arginine, which is basic and polar, at codon 933 of the BRCA1 protein (p.Gly933Arg). This variant is not present in population databases (gnomAD no frequency). This variant has not been reported in the literature in individuals affected with BRCA1-related conditions. ClinVar contains an entry for this variant (Variation ID: 2746250). Invitae Evidence Modeling of protein sequence and biophysical properties (such as structural, functional, and spatial information, amino acid conservation, physicochemical variation, residue mobility, and thermodynamic stability) indicates that this missense variant is not expected to disrupt BRCA1 protein function with a negative predictive value of 80%. In summary, the available evidence is currently insufficient to determine the role of this variant in disease. Therefore, it has been classified as a Variant of Uncertain Significance.